The following is an entry in ClinVar:

ClinVar aggregate classification (germline): Uncertain significance (1 of 4 stars; one submission).

gnomAD v4.1: 1 of 1,613,420 alleles (0.000062%); highest among the groups gnomAD compares: Non-Finnish European, 0.000085%; no homozygotes.

Submission:

GeneDx
Classification: Uncertain significance. Last evaluated: 2024-12-03. Review status: criteria provided, single submitter. Criteria: GeneDx Variant Classification Process June 2021. Collection method: clinical testing. Allele origin: germline. Affected: yes.
Comment: Not observed at significant frequency in large population cohorts (gnomAD); In silico analysis supports that this missense variant has a deleterious effect on protein structure/function; Has not been previously published as pathogenic or benign to our knowledge

NM_001273.5(CHD4):c.344A>G (p.Lys115Arg)

Gene: CHD4 (chromodomain helicase DNA binding protein 4; minus strand). Cytogenetic location: 12p13.31.
Variant type: single nucleotide variant.
Coding change: c.344A>G on transcript NM_001273.5 (MANE Select); coding-DNA position 344, A replaced by G.
Protein change: p.Lys115Arg; replaces lysine 115 with arginine.
Molecular consequence: missense variant.
Genome position (GRCh38, 1-based): chr12:6,602,054, T>C on the plus strand (A>G on the coding strand, the complement: CHD4 is on the minus strand). VCF-style: chr12-6602054-T-C. GRCh37 (hg19) VCF-style: chr12-6711220-T-C.
Other names: c.323A>G, p.Lys108Arg (NM_001297553.2); c.344A>G, p.Lys115Arg (NM_001363606.2); short protein forms K108R, K115R.
Identifiers: ClinVar variation 3901594 (VCV003901594.1).